The following is an entry in ClinVar:

ClinVar aggregate classification (germline): Likely pathogenic (1 of 4 stars; one submission).

Conditions:
Cataract 3 multiple types. Also called: CATARACT 3, MULTIPLE TYPES, WITH OR WITHOUT MICROCORNEA. Identifiers: Orphanet 1377, MedGen C1832175, MONDO:0011104, OMIM 601547.

Allele frequency attached by ClinVar (database versions not stated): gnomAD exomes below 0.00001.
gnomAD v4.1: 1 of 1,598,876 alleles (0.000063%); highest among the groups gnomAD compares: Non-Finnish European, 0.000086%; no homozygotes.

Submission:

Labcorp Genetics (formerly Invitae), Labcorp
Classification: Likely pathogenic for Cataract 3 multiple types. Last evaluated: 2017-05-15. Review status: criteria provided, single submitter. Criteria: Invitae Variant Classification Sherloc (09022015). Collection method: clinical testing. Allele origin: germline.
Comment: This evidence indicates that the variant is pathogenic, but additional data is needed to prove that conclusively. Therefore, this variant has been classified as Likely Pathogenic. Algorithms developed to predict the effect of missense changes on protein structure and function (SIFT, PolyPhen-2, Align-GVGD) all suggest that this variant is likely to be disruptive, but these predictions have not been confirmed by published functional studies. This variant is not present in population databases (ExAC no frequency) and has not been reported in the literature in individuals with a CRYBB2-related disease. This sequence change replaces valine with glycine at codon 54 of the CRYBB2 protein (p.Val54Gly). The valine residue is highly conserved and there is a moderate physicochemical difference between valine and glycine.

NM_000496.3(CRYBB2):c.161T>G (p.Val54Gly)

Gene: CRYBB2 (crystallin beta B2; plus strand). Cytogenetic location: 22q11.23.
Variant type: single nucleotide variant.
Coding change: c.161T>G on transcript NM_000496.3 (MANE Select); coding-DNA position 161, T replaced by G.
Protein change: p.Val54Gly; replaces valine 54 with glycine.
Molecular consequence: missense variant.
Genome position (GRCh38, 1-based): chr22:25,225,024, T>G. VCF-style: chr22-25225024-T-G. GRCh37 (hg19) VCF-style: chr22-25620991-T-G.
Other names: short protein forms V54G.
Identifiers: ClinVar variation 463969 (VCV000463969.8), dbSNP rs1555888762, ClinGen allele CA410987100.